The following is an entry in ClinVar:

ClinVar aggregate classification (germline): Likely benign (1 of 4 stars; one submission).

gnomAD v4.1: 6 of 1,610,776 alleles (0.00037%); highest among the groups gnomAD compares: Non-Finnish European, 0.00051%; no homozygotes.

Submission:

CeGaT Center for Human Genetics Tuebingen
Classification: Likely benign. Last evaluated: 2024-07-01. Review status: criteria provided, single submitter. Criteria: CeGaT Center For Human Genetics Tuebingen Variant Classification Criteria Version 2. Collection method: clinical testing. Allele origin: germline. Affected: yes. Observed: 1 variant allele.
Comment: PHF21A: PM2:Supporting, BP4, BP7

NM_001352027.3(PHF21A):c.1479C>T (p.Ser493=)

Gene: PHF21A (PHD finger protein 21A; minus strand). Cytogenetic location: 11p11.2.
Variant type: single nucleotide variant.
Coding change: c.1479C>T on transcript NM_001352027.3 (MANE Select); coding-DNA position 1479, C replaced by T.
Protein change: p.Ser493=; no amino-acid change (serine 493 retained).
Molecular consequence: synonymous variant. On other transcripts: non-coding transcript variant (2).
Genome position (GRCh38, 1-based): chr11:45,938,286, G>A on the plus strand (C>T on the coding strand, the complement: PHF21A is on the minus strand). VCF-style: chr11-45938286-G-A. GRCh37 (hg19) VCF-style: chr11-45959837-G-A.
Other names: c.1476C>T, p.Ser492= (NM_001101802.3); c.1479C>T, p.Ser493= (NM_001352025.3, NM_001352026.3); c.1338C>T, p.Ser446= (NM_001352028.1, NM_001352029.1, NM_016621.5); c.1335C>T, p.Ser445= (NM_001352030.3, NM_001352031.3, NM_001352032.3).
Identifiers: ClinVar variation 3257687 (VCV003257687.17).